The following is an entry in ClinVar:

NM_003242.6(TGFBR2):c.202A>C (p.Met68Leu)

Gene: TGFBR2 (transforming growth factor beta receptor 2; plus strand). Cytogenetic location: 3p24.1.
Variant type: single nucleotide variant.
Coding change: c.202A>C on transcript NM_003242.6 (MANE Select); coding-DNA position 202, A replaced by C.
Protein change: p.Met68Leu; replaces methionine 68 with leucine.
Molecular consequence: missense variant.
Genome position (GRCh38, 1-based): chr3:30,644,854, A>C. VCF-style: chr3-30644854-A-C. GRCh37 (hg19) VCF-style: chr3-30686346-A-C.
Other names: c.277A>C, p.Met93Leu (NM_001024847.3, NM_001407126.1, NM_001407139.1); c.202A>C, p.Met68Leu (NM_001407127.1, NM_001407130.1); c.229A>C, p.Met77Leu (NM_001407128.1); c.97A>C, p.Met33Leu (NM_001407129.1, NM_001407132.1, NM_001407133.1 and 3 more transcripts); short protein forms M68L, M93L, M33L, M77L.
Identifiers: ClinVar variation 408443 (VCV000408443.8), dbSNP rs1060501985, ClinGen allele CA16611309.

ClinVar aggregate classification (germline): Conflicting classifications of pathogenicity. Review status: criteria provided, conflicting classifications (1 of 4 stars). 2 submissions from 2 submitters: Uncertain significance (1); Likely benign (1). Last evaluated 2023-06-03.

Conditions:
Familial thoracic aortic aneurysm and aortic dissection (TAAD). Also called: Thoracic aortic aneurysms and dissections. Identifiers: Orphanet 91387, MedGen C4707243, MONDO:0019625.

gnomAD v4.1: 5 of 1,614,186 alleles (0.00031%); highest among the groups gnomAD compares: Non-Finnish European, 0.00042%; no homozygotes.

Submissions (2):

Ambry Genetics
Classification: Likely benign for Familial thoracic aortic aneurysm and aortic dissection. Last evaluated: 2023-06-03. Review status: criteria provided, single submitter. Criteria: Ambry Variant Classification Scheme 2023. Collection method: clinical testing. Allele origin: germline.

Labcorp Genetics (formerly Invitae), Labcorp
Classification: Uncertain significance for Familial thoracic aortic aneurysm and aortic dissection. Last evaluated: 2016-09-23. Review status: criteria provided, single submitter. Criteria: Invitae Variant Classification Sherloc (09022015). Collection method: clinical testing. Allele origin: germline.
Comment: In summary, this variant is a novel missense change that is not predicted to affect protein function. There is no indication that it causes disease, but the available evidence is currently insufficient to prove that conclusively. Therefore, it has been classified as a Variant of Uncertain Significance. Algorithms developed to predict the effect of missense changes on protein structure and function output the following: (SIFT: "Tolerated"; PolyPhen-2: "Benign"; Align-GVGD: "Class C0"). The leucine amino acid residue is also found in multiple mammalian species, suggesting that this missense change does not adversely affect protein function. These predictions have not been confirmed by published functional studies. This variant is not present in population databases (ExAC no frequency) and has not been reported in the literature in individuals with a TGFBR2-related disease. This sequence change replaces methionine with leucine at codon 68 of the TGFBR2 protein (p.Met68Leu). The methionine residue is weakly conserved and there is a small physicochemical difference between methionine and leucine.